The following is an entry in ClinVar:

NM_000273.3(GPR143):c.905A>G (p.Gln302Arg)

Gene: GPR143 (G protein-coupled receptor 143; minus strand). Cytogenetic location: Xp22.2.
Variant type: single nucleotide variant.
Coding change: c.905A>G on transcript NM_000273.3 (MANE Select); coding-DNA position 905, A replaced by G.
Protein change: p.Gln302Arg; replaces glutamine 302 with arginine.
Molecular consequence: missense variant.
Genome position (GRCh38, 1-based): chrX:9,739,700, T>C on the plus strand (A>G on the coding strand, the complement: GPR143 is on the minus strand). VCF-style: chrX-9739700-T-C. GRCh37 (hg19) VCF-style: chrX-9707740-T-C.
Other names: short protein forms Q302R.
Identifiers: ClinVar variation 3658380 (VCV003658380.2).

ClinVar aggregate classification (germline): Uncertain significance (1 of 4 stars; one submission).

Submission:

Labcorp Genetics (formerly Invitae), Labcorp
Classification: Uncertain significance. Last evaluated: 2024-07-01. Review status: criteria provided, single submitter. Criteria: Invitae Variant Classification Sherloc (09022015). Collection method: clinical testing. Allele origin: germline.
Comment: This sequence change replaces glutamine, which is neutral and polar, with arginine, which is basic and polar, at codon 302 of the GPR143 protein (p.Gln302Arg). This variant is not present in population databases (gnomAD no frequency). This variant has not been reported in the literature in individuals affected with GPR143-related conditions. Advanced modeling of protein sequence and biophysical properties (such as structural, functional, and spatial information, amino acid conservation, physicochemical variation, residue mobility, and thermodynamic stability) performed at Invitae indicates that this missense variant is expected to disrupt GPR143 protein function with a positive predictive value of 80%. In summary, the available evidence is currently insufficient to determine the role of this variant in disease. Therefore, it has been classified as a Variant of Uncertain Significance.